The following is an entry in ClinVar:

ClinVar aggregate classification (germline): Uncertain significance (1 of 4 stars; one submission).

Conditions:
Sulfite oxidase deficiency due to molybdenum cofactor deficiency type C. Also called: Molybdenum cofactor deficiency, complementation group C; Molybdenum cofactor deficiency C. Identifiers: Orphanet 308400, Orphanet 833, MedGen C1854990, MONDO:0014212, OMIM 615501.

Allele frequency attached by ClinVar (database versions not stated): gnomAD exomes below 0.00001.
gnomAD v4.1: 2 of 1,509,868 alleles (0.00013%); highest among the groups gnomAD compares: Non-Finnish European, 0.00018%; no homozygotes.

Submission:

Labcorp Genetics (formerly Invitae), Labcorp
Classification: Uncertain significance for Sulfite oxidase deficiency due to molybdenum cofactor deficiency type C. Last evaluated: 2026-01-08. Review status: criteria provided, single submitter. Criteria: Invitae Variant Classification Sherloc (09022015). Collection method: clinical testing. Allele origin: germline.
Comment: This sequence change replaces tyrosine, which is neutral and polar, with cysteine, which is neutral and slightly polar, at codon 409 of the GPHN protein (p.Tyr409Cys). This variant is not present in population databases (gnomAD no frequency). This variant has not been reported in the literature in individuals affected with GPHN-related conditions. ClinVar contains an entry for this variant (Variation ID: 2910784). Invitae Evidence Modeling of protein sequence and biophysical properties (such as structural, functional, and spatial information, amino acid conservation, physicochemical variation, residue mobility, and thermodynamic stability) indicates that this missense variant is expected to disrupt GPHN protein function with a positive predictive value of 80%. In summary, the available evidence is currently insufficient to determine the role of this variant in disease. Therefore, it has been classified as a Variant of Uncertain Significance.

NM_020806.5(GPHN):c.1226A>G (p.Tyr409Cys)

Gene: GPHN (gephyrin; plus strand). Cytogenetic location: 14q23.3.
Variant type: single nucleotide variant.
Coding change: c.1226A>G on transcript NM_020806.5 (MANE Select); coding-DNA position 1226, A replaced by G.
Protein change: p.Tyr409Cys; replaces tyrosine 409 with cysteine.
Molecular consequence: missense variant.
Genome position (GRCh38, 1-based): chr14:67,089,064, A>G. VCF-style: chr14-67089064-A-G. GRCh37 (hg19) VCF-style: chr14-67555781-A-G.
Other names: c.1127A>G, p.Tyr376Cys (NM_001024218.2); c.1286A>G, p.Tyr429Cys (NM_001377514.1); c.1256A>G, p.Tyr419Cys (NM_001377515.1); c.1247A>G, p.Tyr416Cys (NM_001377516.1); c.1199A>G, p.Tyr400Cys (NM_001377517.1); c.1184A>G, p.Tyr395Cys (NM_001377518.1); c.1166A>G, p.Tyr389Cys (NM_001377519.1); short protein forms Y395C, Y429C, Y376C, Y400C, Y409C, Y389C, Y416C, Y419C.
Identifiers: ClinVar variation 2910784 (VCV002910784.3), dbSNP rs2077025832, ClinGen allele CA390257333.